The following is an entry in ClinVar:

NM_001042492.3(NF1):c.2365A>G (p.Lys789Glu)

Gene: NF1 (neurofibromin 1; plus strand). Cytogenetic location: 17q11.2.
Variant type: single nucleotide variant.
Coding change: c.2365A>G on transcript NM_001042492.3 (MANE Select); coding-DNA position 2365, A replaced by G.
Protein change: p.Lys789Glu; replaces lysine 789 with glutamic acid.
Molecular consequence: missense variant.
Genome position (GRCh38, 1-based): chr17:31,227,562, A>G. VCF-style: chr17-31227562-A-G. GRCh37 (hg19) VCF-style: chr17-29554580-A-G.
Other names: c.2365A>G, p.Lys789Glu (NM_000267.4); short protein forms K789E.
Identifiers: ClinVar variation 4800732 (VCV004800732.1).
Genomic context (GRCh38, chr17:31,227,562, plus strand): 5'-TGATAATTGCCTTCATTTTAGGCTTGGGAAGATACACATGCAAAATGGGAACAAGCAACA[A>G]AGCTAATCCTTAACTATCCAAAAGCCAAAATGGAAGATGGCCAGGTAAGTCTGTAAAGTT-3'
Protein context (NP_001035957.1, residues 779-799): DTHAKWEQAT[Lys789Glu]LILNYPKAKM

ClinVar aggregate classification (germline): Uncertain significance (1 of 4 stars; one submission).

Conditions:
Neurofibromatosis, type 1 (NF1). Also called: VON RECKLINGHAUSEN DISEASE; Neurofibromatosis, type I; NEUROFIBROMATOSIS, TYPE I, SOMATIC; Peripheral type neurofibromatosis. Identifiers: Orphanet 636, MedGen C0027831, MONDO:0018975, OMIM 162200. Disease mechanism: loss of function.

Submission:

Labcorp Genetics (formerly Invitae), Labcorp
Classification: Uncertain significance for Neurofibromatosis, type 1. Last evaluated: 2025-06-24. Review status: criteria provided, single submitter. Criteria: Invitae Variant Classification Sherloc (09022015). Collection method: clinical testing. Allele origin: germline.
Comment: This sequence change replaces lysine, which is basic and polar, with glutamic acid, which is acidic and polar, at codon 789 of the NF1 protein (p.Lys789Glu). This variant is not present in population databases (gnomAD no frequency). This variant has not been reported in the literature in individuals affected with NF1-related conditions. Invitae Evidence Modeling of protein sequence and biophysical properties (such as structural, functional, and spatial information, amino acid conservation, physicochemical variation, residue mobility, and thermodynamic stability) indicates that this missense variant is not expected to disrupt NF1 protein function with a negative predictive value of 95%. In summary, the available evidence is currently insufficient to determine the role of this variant in disease. Therefore, it has been classified as a Variant of Uncertain Significance.